The following is an entry in ClinVar:

NC_000002.11:g.(?_32372267)_(32372347_?)del

Gene: SPAST (spastin; plus strand). Cytogenetic location: 2p22.3.
Variant type: Deletion.
Identifiers: ClinVar variation 1458885 (VCV001458885.5).

ClinVar aggregate classification (germline): Pathogenic (1 of 4 stars; one submission).

Conditions:
Hereditary spastic paraplegia 4. Also called: Spastic paraplegia 4, autosomal dominant; Spastic Paraplegia 4; Familial spastic paraplegia autosomal dominant 2. Identifiers: Orphanet 100985, MedGen C1866855, MONDO:0008438, OMIM 182601.

Submission:

Labcorp Genetics (formerly Invitae), Labcorp
Classification: Pathogenic for Hereditary spastic paraplegia 4. Last evaluated: 2022-02-09. Review status: criteria provided, single submitter. Criteria: Invitae Variant Classification Sherloc (09022015). Collection method: clinical testing. Allele origin: germline.
Comment: This variant is a gross deletion of the genomic region encompassing exon(s) 16 of the SPAST gene. While this deletion is not anticipated to lead to nonsense mediated decay, it is expected to disrupt the C-terminus of the protein. A similar copy number variant has been observed in individuals with hereditary spastic paraplegia (PMID: 17098887, 25065914). It has also been observed to segregate with disease in related individuals. For these reasons, this variant has been classified as Pathogenic.

Literature cited by the submitters: PubMed 17098887; PubMed 25065914.